The following is an entry in ClinVar:

NM_015072.5(TTLL5):c.3699C>T (p.His1233=)

Gene: TTLL5 (tubulin tyrosine ligase like 5; plus strand). Cytogenetic location: 14q24.3.
Variant type: single nucleotide variant.
Coding change: c.3699C>T on transcript NM_015072.5 (MANE Select); coding-DNA position 3699, C replaced by T.
Protein change: p.His1233=; no amino-acid change (histidine 1233 retained).
Molecular consequence: synonymous variant.
Genome position (GRCh38, 1-based): chr14:75,882,861, C>T. VCF-style: chr14-75882861-C-T. GRCh37 (hg19) VCF-style: chr14-76349204-C-T.
Identifiers: ClinVar variation 720384 (VCV000720384.13), dbSNP rs185999044, ClinGen allele CA7280106.

ClinVar aggregate classification (germline): Benign/Likely benign. Review status: criteria provided, multiple submitters, no conflicts (2 of 4 stars). 3 submissions from 3 submitters: Benign (1); Likely benign (2). Last evaluated 2025-12-24.

Conditions:
TTLL5-related disorder. Also called: TTLL5-related condition.

Allele frequency attached by ClinVar (database versions not stated): gnomAD 0.00006 and 0.00007; TOPMed 0.00020; ExAC 0.00040; gnomAD exomes 0.00048; 1000 Genomes Project 0.00060; 1000 Genomes Project 30x 0.00078.
gnomAD v4.1: 152 of 1,614,114 alleles (0.0094%); highest among the groups gnomAD compares: Admixed American, 0.24%; 1 homozygote.

Submissions (3):

Labcorp Genetics (formerly Invitae), Labcorp
Classification: Benign. Last evaluated: 2025-12-24. Review status: criteria provided, single submitter. Criteria: Invitae Variant Classification Sherloc (09022015). Collection method: clinical testing. Allele origin: germline.

PreventionGenetics, part of Exact Sciences
Classification: Likely benign for TTLL5-related condition. Last evaluated: 2025-02-04. Review status: criteria provided, single submitter. Criteria: ACMG Guidelines, 2015. Collection method: clinical testing. Allele origin: germline.
Comment: This variant is classified as likely benign based on ACMG/AMP sequence variant interpretation guidelines (Richards et al. 2015 PMID: 25741868, with internal and published modifications).

Blueprint Genetics
Classification: Likely benign. Last evaluated: 2022-10-04. Review status: criteria provided, single submitter. Criteria: ACMG Guidelines, 2015. Collection method: clinical testing. Allele origin: germline.